The following is an entry in ClinVar:

NM_144991.3(TSPEAR):c.1493del (p.Gly498fs)

Gene: TSPEAR (thrombospondin type laminin G domain and EAR repeats; minus strand). Cytogenetic location: 21q22.3.
Variant type: Deletion.
Coding change: c.1493del on transcript NM_144991.3 (MANE Select); coding-DNA position 1493, one base deleted (G; older notation c.1493delG).
Protein change: p.Gly498fs; shifts the reading frame from glycine 498.
Molecular consequence: frameshift variant.
Genome position (GRCh38, 1-based): chr21:44,521,956, C deleted on the plus strand (G on the coding strand, the reverse complement: TSPEAR is on the minus strand); the first of 2 consecutive C bases (chr21:44,521,956-44,521,957); deleting either gives the same sequence. VCF-style (leftmost placement, unchanged base first): chr21-44521955-GC-G. GRCh37 (hg19) VCF-style: chr21-45941838-GC-G.
Other names: c.1493delG (NM_144991.2); c.1289del, p.Gly430fs (NM_001272037.2); short protein forms G430fs, G498fs.
Identifiers: ClinVar variation 1188075 (VCV001188075.6), dbSNP rs2052743077, ClinGen allele CA2391690158.

ClinVar aggregate classification (germline): Pathogenic. Review status: criteria provided, multiple submitters, no conflicts (2 of 4 stars). 2 submissions from 2 submitters: Pathogenic (2). Last evaluated 2025-08-09.

Submissions (2):

Labcorp Genetics (formerly Invitae), Labcorp
Classification: Pathogenic. Last evaluated: 2025-08-09. Review status: criteria provided, single submitter. Criteria: Invitae Variant Classification Sherloc (09022015). Collection method: clinical testing. Allele origin: germline.
Comment: This sequence change creates a premature translational stop signal (p.Gly498Alafs*71) in the TSPEAR gene. It is expected to result in an absent or disrupted protein product. Loss-of-function variants in TSPEAR are known to be pathogenic (PMID: 34042254). This variant is not present in population databases (gnomAD no frequency). This variant has not been reported in the literature in individuals affected with TSPEAR-related conditions. ClinVar contains an entry for this variant (Variation ID: 1188075). For these reasons, this variant has been classified as Pathogenic.

GeneDx
Classification: Pathogenic. Last evaluated: 2022-05-17. Review status: criteria provided, single submitter. Criteria: GeneDx Variant Classification Process June 2021. Collection method: clinical testing. Allele origin: germline. Affected: yes.
Comment: Frameshift variant predicted to result in protein truncation or nonsense mediated decay in a gene for which loss-of-function is a known mechanism of disease; Not observed at significant frequency in large population cohorts (gnomAD); Has not been previously published as pathogenic or benign to our knowledge

Literature cited by the submitters: PubMed 34042254 (cited by Labcorp Genetics (formerly Invitae), Labcorp).